The following continues an entry in ClinVar:

NM_007294.4(BRCA1):c.4600G>A (p.Val1534Met)

Gene: BRCA1. ClinVar aggregate classification (germline): Benign. Benign (1).

Submissions 21 to 29 of 29:

Women's Health and Genetics/Laboratory Corporation of America, LabCorp
Classification: Benign for Hereditary breast ovarian cancer syndrome. Last evaluated: 2014-05-02. Review status: criteria provided, single submitter. Criteria: LabCorp Variant Classification Summary - May 2015. Collection method: clinical testing. Allele origin: germline. Not counted in ClinVar's aggregate classification.
Comment: Variant summary: (1) Variant is found in a non-conserved region with a high prevalence in control individuals (22/7,595), (2) Variant is reported to co-occur with other potentially pathogenic variants in BRCA1 (p.Glu1413AspfsX2, 2 - p.Gln1240X) and 1 BRCA2 (p.Ile1874ArgfsX34)(UMD), (3) Functional studies suggest comparable activity levels to wild type (Carvalho_BRCA1_CR_2007) and (4) multiple databases and publications classify variant as benign/neutral (Emory genetics, UMD, ARUP, Easton_2007, Carvalho_2007, Chenevix-Trench_2006 and Lindor_2012) .

Eurofins Ntd Llc (ga)
Classification: Benign. Last evaluated: 2014-04-01. Review status: criteria provided, single submitter. Criteria: EGL Classification Definitions 2015. Collection method: clinical testing. Allele origin: germline. Observed: 2 variant alleles, 2 heterozygotes. Not counted in ClinVar's aggregate classification.

Mayo Clinic Laboratories, Mayo Clinic
Classification: Benign. Last evaluated: 2017-03-31. Review status: no assertion criteria provided. Collection method: clinical testing. Allele origin: unknown. Not counted in ClinVar's aggregate classification.

Counsyl
Classification: Benign for Breast-ovarian cancer, familial 1. Last evaluated: 2014-05-10. Review status: no assertion criteria provided. Collection method: literature only. Allele origin: unknown. Inheritance: Autosomal dominant inheritance. Not counted in ClinVar's aggregate classification.

ITMI
No classification provided. Condition: AllHighlyPenetrant. Last evaluated: 2013-09-19. Review status: no classification provided. Collection method: reference population. Allele origin: germline. Not counted in ClinVar's aggregate classification.
Comment: Please see associated publication for description of ethnicities

Breast Cancer Information Core (BIC) (BRCA1)
Classification: Uncertain significance for Breast-ovarian cancer, familial 1. Last evaluated: 2002-05-29. Review status: no assertion criteria provided. Collection method: clinical testing. Allele origin: germline. Affected: yes. Observed: 26 variant alleles. Not counted in ClinVar's aggregate classification.

Clinical Genetics Laboratory, Department of Pathology, Netherlands Cancer Institute
Classification: Benign. Review status: no assertion criteria provided. Collection method: clinical testing. Allele origin: germline. Affected: yes. Study: VKGL Data-share Consensus. Not counted in ClinVar's aggregate classification.

Department of Pathology and Laboratory Medicine, Sinai Health System
Classification: Benign. Review status: no assertion criteria provided. Collection method: clinical testing. Allele origin: unknown. Affected: yes. Study: The Canadian Open Genetics Repository (COGR). Not counted in ClinVar's aggregate classification.
Comment: The p.Val1534Met variant has been observed in the literature in 5/5288 proband chromosomes of individuals with hereditary breast cancer, ovarian cancer and prostate cancer. It was not detected in any of the 360 control chromosomes evaluated (Abkevich 2004, Carvalho 2007, Chenevix-Trench 2006, Hondow 2011, Iversen 2011, Leongamornlert 2012, Velasco 2005, Millot 2012). The variant was also identified in ClinVar by GeneDx (benign), and by Invitae and ITMI (significance not provided). It is listed in the dbSNP database (ID#: rs55815649) as coming from a clinical source with a global minor allele frequency (MAF) of 0.001, having been observed thrice in 3,000 chromosomes. It has been reported in the UMD (x8 as neutral), BIC (x26 as VUS), and EVS (ACMG 3) databases. This residue is not conserved in mammals and the variant amino acid Methionine (Met) is present in the dog. Computational analyses (PolyPhen, SIFT, AlignGVGD) does not predict any effect on the protein function, increasing the likelihood this variant does not have functional significance. In addition, in one of the functional studies that measured the transactivation activity of BRCA1, the activity level of the variant was comparable to the wild-type protein in mammalian cells (Carvalho 2007). In summary, based on the above information, this variant is classified as benign.

Joint Genome Diagnostic Labs from Nijmegen and Maastricht, Radboudumc and MUMC+
Classification: Benign. Review status: no assertion criteria provided. Collection method: clinical testing. Allele origin: germline. Affected: yes. Study: VKGL Data-share Consensus. Not counted in ClinVar's aggregate classification.

Literature cited by the submitters: PubMed 21990134 (cited by 3 submitters); DOI 10.3389/fgene.2022.834265 (cited by National Health Laboratory Service, Universitas Academic Hospital and University of the Free State); PubMed 36329109 (cited by Genetics Program, Instituto Nacional de Cancer); PubMed 17924331 (cited by Women's Health and Genetics/Laboratory Corporation of America, LabCorp and Counsyl); PubMed 16489001 (cited by Women's Health and Genetics/Laboratory Corporation of America, LabCorp and Counsyl); PubMed 17308087 (cited by Women's Health and Genetics/Laboratory Corporation of America, LabCorp and Counsyl); PubMed 21702907 (cited by Women's Health and Genetics/Laboratory Corporation of America, LabCorp and Counsyl); PubMed 15235020 (cited by Counsyl); PubMed 15307796 (cited by Counsyl); PubMed 23192404 (cited by Counsyl); PubMed 23867111 (cited by Counsyl); PubMed 21447777 (cited by Counsyl); PubMed 24728327 (cited by ITMI).